The following is an entry in ClinVar:

ClinVar aggregate classification (germline): Benign. Review status: criteria provided, multiple submitters, no conflicts (2 of 4 stars). 4 submissions from 4 submitters: Benign (3). 1 of the submissions does not count toward it. Last evaluated 2026-02-04.

Conditions:
NIK deficiency. Also called: Primary immunodeficiency with multifaceted aberrant lymphoid immunity. Identifiers: Orphanet 447731, MedGen C5680065, MONDO:0018642.
MAP3K14-related disorder. Also called: MAP3K14-related condition.

Allele frequency attached by ClinVar (database versions not stated): ESP Exome Variant Server 0.03414; gnomAD 0.03897 and 0.04146; TOPMed 0.03957; gnomAD exomes 0.04603 and 0.05134; 1000 Genomes Project 30x 0.05059; ExAC 0.05237; 1000 Genomes Project 0.05252.
gnomAD v4.1: 73,604 of 1,613,096 alleles (4.6%); highest among the groups gnomAD compares: East Asian, 10%; 2,021 homozygotes.

Submissions (22):

Labcorp Genetics (formerly Invitae), Labcorp
Classification: Benign for NIK deficiency. Last evaluated: 2026-02-04. Review status: criteria provided, single submitter. Criteria: Invitae Variant Classification Sherloc (09022015). Collection method: clinical testing. Allele origin: germline.

Women's Health and Genetics/Laboratory Corporation of America, LabCorp
Classification: Benign. Last evaluated: 2026-01-21. Review status: criteria provided, single submitter. Criteria: LabCorp Variant Classification Summary - May 2015. Collection method: clinical testing. Allele origin: germline.

Breakthrough Genomics
Classification: Benign. Review status: criteria provided, single submitter. Criteria: ACMG Guidelines, 2015. Collection method: not provided. Allele origin: germline. Inheritance: Unknown mechanism. Affected: yes.

PreventionGenetics, part of Exact Sciences
Classification: Benign for MAP3K14-related condition. Last evaluated: 2019-05-23. Review status: no assertion criteria provided. Collection method: clinical testing. Allele origin: germline. Not counted in ClinVar's aggregate classification.
Comment: This variant is classified as benign based on ACMG/AMP sequence variant interpretation guidelines (Richards et al. 2015 PMID: 25741868, with internal and published modifications).

Dr. Peter K. Rogan Lab, Western University
No classification provided (evidence only). Condition: Acute myeloid leukemia. Review status: no classification provided. Collection method: in vitro. Allele origin: not applicable. Functional consequence: retained intron. Not counted in ClinVar's aggregate classification.

Dr. Peter K. Rogan Lab, Western University
No classification provided (evidence only). Condition: Acute myeloid leukemia. Review status: no classification provided. Collection method: in vitro. Allele origin: not applicable. Functional consequence: retained intron. Not counted in ClinVar's aggregate classification.

Dr. Peter K. Rogan Lab, Western University
No classification provided (evidence only). Condition: Acute myeloid leukemia. Review status: no classification provided. Collection method: in vitro. Allele origin: not applicable. Functional consequence: retained intron. Not counted in ClinVar's aggregate classification.

Dr. Peter K. Rogan Lab, Western University
No classification provided (evidence only). Condition: Acute myeloid leukemia. Review status: no classification provided. Collection method: in vitro. Allele origin: not applicable. Functional consequence: retained intron. Not counted in ClinVar's aggregate classification.

Dr. Peter K. Rogan Lab, Western University
No classification provided (evidence only). Condition: Acute myeloid leukemia. Review status: no classification provided. Collection method: in vitro. Allele origin: not applicable. Functional consequence: retained intron. Not counted in ClinVar's aggregate classification.

Dr. Peter K. Rogan Lab, Western University
No classification provided (evidence only). Condition: Acute myeloid leukemia. Review status: no classification provided. Collection method: in vitro. Allele origin: not applicable. Functional consequence: retained intron. Not counted in ClinVar's aggregate classification.

Dr. Peter K. Rogan Lab, Western University
No classification provided (evidence only). Condition: Uterine corpus endometrial carcinoma. Review status: no classification provided. Collection method: in vitro. Allele origin: not applicable. Functional consequence: retained intron. Not counted in ClinVar's aggregate classification.

Dr. Peter K. Rogan Lab, Western University
No classification provided (evidence only). Condition: Uterine corpus endometrial carcinoma. Review status: no classification provided. Collection method: in vitro. Allele origin: not applicable. Functional consequence: retained intron. Not counted in ClinVar's aggregate classification.

Dr. Peter K. Rogan Lab, Western University
No classification provided (evidence only). Condition: Uterine corpus endometrial carcinoma. Review status: no classification provided. Collection method: in vitro. Allele origin: not applicable. Functional consequence: retained intron. Not counted in ClinVar's aggregate classification.

Dr. Peter K. Rogan Lab, Western University
No classification provided (evidence only). Condition: Uterine corpus endometrial carcinoma. Review status: no classification provided. Collection method: in vitro. Allele origin: not applicable. Functional consequence: retained intron. Not counted in ClinVar's aggregate classification.

Dr. Peter K. Rogan Lab, Western University
No classification provided (evidence only). Condition: Malignant lymphoma, large B-cell, diffuse. Review status: no classification provided. Collection method: in vitro. Allele origin: not applicable. Functional consequence: retained intron. Not counted in ClinVar's aggregate classification.

Dr. Peter K. Rogan Lab, Western University
No classification provided (evidence only). Condition: Malignant lymphoma, large B-cell, diffuse. Review status: no classification provided. Collection method: in vitro. Allele origin: not applicable. Functional consequence: retained intron. Not counted in ClinVar's aggregate classification.

Dr. Peter K. Rogan Lab, Western University
No classification provided (evidence only). Condition: Malignant lymphoma, large B-cell, diffuse. Review status: no classification provided. Collection method: in vitro. Allele origin: not applicable. Functional consequence: retained intron. Not counted in ClinVar's aggregate classification.

Dr. Peter K. Rogan Lab, Western University
No classification provided (evidence only). Condition: Hepatocellular carcinoma. Review status: no classification provided. Collection method: in vitro. Allele origin: not applicable. Functional consequence: retained intron. Not counted in ClinVar's aggregate classification.

Dr. Peter K. Rogan Lab, Western University
No classification provided (evidence only). Condition: Thymoma. Review status: no classification provided. Collection method: in vitro. Allele origin: not applicable. Functional consequence: cryptic splice site, skipped exon, retained intron. Not counted in ClinVar's aggregate classification.

Dr. Peter K. Rogan Lab, Western University
No classification provided (evidence only). Condition: Ovarian serous cystadenocarcinoma. Review status: no classification provided. Collection method: in vitro. Allele origin: not applicable. Functional consequence: retained intron. Not counted in ClinVar's aggregate classification.

Dr. Peter K. Rogan Lab, Western University
No classification provided (evidence only). Condition: Ovarian serous cystadenocarcinoma. Review status: no classification provided. Collection method: in vitro. Allele origin: not applicable. Functional consequence: retained intron. Not counted in ClinVar's aggregate classification.

Dr. Peter K. Rogan Lab, Western University
No classification provided (evidence only). Condition: Uveal melanoma. Review status: no classification provided. Collection method: in vitro. Allele origin: not applicable. Functional consequence: retained intron. Not counted in ClinVar's aggregate classification.

NM_003954.5(MAP3K14):c.327-7G>T

Gene: MAP3K14 (mitogen-activated protein kinase kinase kinase 14; minus strand). Cytogenetic location: 17q21.31.
Variant type: single nucleotide variant.
Coding change: c.327-7G>T on transcript NM_003954.5 (MANE Select); 7 bases into the intron before coding-DNA position 327, G replaced by T.
Molecular consequence: intron variant.
Genome position (GRCh38, 1-based): chr17:45,287,371, C>A on the plus strand (G>T on the coding strand, the complement: MAP3K14 is on the minus strand). VCF-style: chr17-45287371-C-A. GRCh37 (hg19) VCF-style: chr17-43364737-C-A.
Identifiers: ClinVar variation 1166450 (VCV001166450.14), dbSNP rs17846855, ClinGen allele CA8614373.
Genomic context (GRCh38, chr17:45,287,371, plus strand): 5'-CCCTCTGTAGCATGGGCCACATTGTTGGGGATCTGATCAAGACTCTCGGACTGGCTGTCA[C>A]AAAAGGGACAGATTTGCATATTGAGCACGAGGAAGCAGGAAGATGGACTGGTCCAGACAC-3'